The following is an entry in ClinVar:

NM_000059.4(BRCA2):c.900del (p.Asp301fs)

Gene: BRCA2 (BRCA2 DNA repair associated; plus strand). Cytogenetic location: 13q13.1.
Variant type: Deletion.
Coding change: c.900del on transcript NM_000059.4 (MANE Select); coding-DNA position 900, one base deleted (A; older notation c.900delA).
Protein change: p.Asp301fs; shifts the reading frame from aspartic acid 301.
Molecular consequence: frameshift variant. On other transcripts: non-coding transcript variant (1), intron variant (1).
Genome position (GRCh38, 1-based): chr13:32,332,378, A deleted. VCF-style (leftmost placement, unchanged base first): chr13-32332377-TA-T. GRCh37 (hg19) VCF-style: chr13-32906514-TA-T.
Other names: c.900del, p.Asp301fs (NM_001406719.1, NM_001406720.1, NM_001406721.1 and 1 more transcripts); c.424+1348del (NM_001406722.1); short protein forms D301fs.
Identifiers: ClinVar variation 4734562 (VCV004734562.1).

ClinVar aggregate classification (germline): Pathogenic (1 of 4 stars; one submission).

Conditions:
Hereditary breast ovarian cancer syndrome. Also called: BRCA1- and BRCA2-Associated Hereditary Breast and Ovarian Cancer; Breast and ovarian cancer; Hereditary breast and ovarian cancer; Hereditary breast and ovarian cancer syndrome (HBOC); Hereditary breast and ovarian cancer syndrome; Hereditary breast and/or ovarian cancer syndrome. Identifiers: Orphanet 145, MedGen C0677776, MeSH D061325, MONDO:0003582. Disease mechanism: loss of function.

Submission:

Labcorp Genetics (formerly Invitae), Labcorp
Classification: Pathogenic for Hereditary breast ovarian cancer syndrome. Last evaluated: 2026-01-01. Review status: criteria provided, single submitter. Criteria: Invitae Variant Classification Sherloc (09022015). Collection method: clinical testing. Allele origin: germline.
Comment: This sequence change creates a premature translational stop signal (p.Asp301Ilefs*23) in the BRCA2 gene. It is expected to result in an absent or disrupted protein product. Loss-of-function variants in BRCA2 are known to be pathogenic (PMID: 20104584). This variant is not present in population databases (gnomAD no frequency). This variant has not been reported in the literature in individuals affected with BRCA2-related conditions. For these reasons, this variant has been classified as Pathogenic.

Literature cited by the submitters: PubMed 20104584.